The following is an entry in ClinVar:

ClinVar aggregate classification (germline): Uncertain significance. Review status: criteria provided, multiple submitters, no conflicts (2 of 4 stars). 2 submissions from 2 submitters: Uncertain significance (2). Last evaluated 2025-08-14.

Allele frequency attached by ClinVar (database versions not stated): gnomAD exomes 0.00004 and 0.00012; ExAC 0.00017; TOPMed 0.00043; gnomAD 0.00052 and 0.00054; 1000 Genomes Project 0.00060; ESP Exome Variant Server 0.00062; 1000 Genomes Project 30x 0.00078.
gnomAD v4.1: 140 of 1,613,648 alleles (0.0087%); highest among the groups gnomAD compares: African/African-American, 0.16%; no homozygotes.

Submissions (2):

Ambry Genetics
Classification: Uncertain significance. Last evaluated: 2025-08-14. Review status: criteria provided, single submitter. Criteria: Ambry Variant Classification Scheme 2023. Collection method: clinical testing. Allele origin: germline.

Labcorp Genetics (formerly Invitae), Labcorp
Classification: Uncertain significance. Last evaluated: 2022-08-16. Review status: criteria provided, single submitter. Criteria: Invitae Variant Classification Sherloc (09022015). Collection method: clinical testing. Allele origin: germline.
Comment: This sequence change replaces lysine, which is basic and polar, with arginine, which is basic and polar, at codon 532 of the PIK3C2A protein (p.Lys532Arg). This variant is present in population databases (rs148684462, gnomAD 0.2%). This variant has not been reported in the literature in individuals affected with PIK3C2A-related conditions. ClinVar contains an entry for this variant (Variation ID: 1350163). Experimental studies and prediction algorithms are not available or were not evaluated, and the functional significance of this variant is currently unknown. In summary, the available evidence is currently insufficient to determine the role of this variant in disease. Therefore, it has been classified as a Variant of Uncertain Significance.

NM_002645.4(PIK3C2A):c.1595A>G (p.Lys532Arg)

Gene: PIK3C2A (phosphatidylinositol-4-phosphate 3-kinase catalytic subunit type 2 alpha; minus strand). Cytogenetic location: 11p15.1.
Variant type: single nucleotide variant.
Coding change: c.1595A>G on transcript NM_002645.4 (MANE Select); coding-DNA position 1595, A replaced by G.
Protein change: p.Lys532Arg; replaces lysine 532 with arginine.
Molecular consequence: missense variant.
Genome position (GRCh38, 1-based): chr11:17,145,908, T>C on the plus strand (A>G on the coding strand, the complement: PIK3C2A is on the minus strand). VCF-style: chr11-17145908-T-C. GRCh37 (hg19) VCF-style: chr11-17167455-T-C.
Other names: c.1595A>G, p.Lys532Arg (NM_001321378.2, NM_001386870.1); c.455A>G, p.Lys152Arg (NM_001321380.2); c.1595A>G (NM_002645.2); short protein forms K532R, K152R.
Identifiers: ClinVar variation 1350163 (VCV001350163.4), dbSNP rs148684462, ClinGen allele CA5901323.